The following is an entry in ClinVar:

NM_001111125.3(IQSEC2):c.1090A>G (p.Asn364Asp)

Gene: IQSEC2 (IQ motif and Sec7 domain ArfGEF 2; minus strand). Cytogenetic location: Xp11.22.
Variant type: single nucleotide variant.
Coding change: c.1090A>G on transcript NM_001111125.3 (MANE Select); coding-DNA position 1090, A replaced by G.
Protein change: p.Asn364Asp; replaces asparagine 364 with aspartic acid.
Molecular consequence: missense variant.
Genome position (GRCh38, 1-based): chrX:53,254,841, T>C on the plus strand (A>G on the coding strand, the complement: IQSEC2 is on the minus strand). VCF-style: chrX-53254841-T-C. GRCh37 (hg19) VCF-style: chrX-53284023-T-C.
Other names: c.1090A>G, p.Asn364Asp (NM_001410736.1); c.475A>G, p.Asn159Asp (NM_015075.2); short protein forms N159D, N364D.
Identifiers: ClinVar variation 3365719 (VCV003365719.1).

ClinVar aggregate classification (germline): Uncertain significance (1 of 4 stars; one submission).

Submission:

GeneDx
Classification: Uncertain significance. Last evaluated: 2023-12-15. Review status: criteria provided, single submitter. Criteria: GeneDx Variant Classification Process June 2021. Collection method: clinical testing. Allele origin: germline. Affected: yes.
Comment: Not observed at significant frequency in large population cohorts (gnomAD); In silico analysis supports that this missense variant has a deleterious effect on protein structure/function; Has not been previously published as pathogenic or benign to our knowledge; This variant is associated with the following publications: (PMID: 20473311)